The following is an entry in ClinVar:

NM_001849.4(COL6A2):c.437G>A (p.Arg146Gln)

Gene: COL6A2 (collagen type VI alpha 2 chain; plus strand). Cytogenetic location: 21q22.3.
Variant type: single nucleotide variant.
Coding change: c.437G>A on transcript NM_001849.4 (MANE Select); coding-DNA position 437, G replaced by A.
Protein change: p.Arg146Gln; replaces arginine 146 with glutamine.
Molecular consequence: missense variant.
Genome position (GRCh38, 1-based): chr21:46,112,300, G>A. VCF-style: chr21-46112300-G-A. GRCh37 (hg19) VCF-style: chr21-47532214-G-A.
Other names: c.437G>A, p.Arg146Gln (NM_058174.3, NM_058175.3); short protein forms R146Q.
Identifiers: ClinVar variation 2891439 (VCV002891439.3), dbSNP rs766193071, ClinGen allele CA10071291.
Genomic context (GRCh38, chr21:46,112,300, plus strand): 5'-GCTCCTTCCGCCGCGGCACCTTCACCGACTGCGCGCTGGCCAACATGACGGAGCAGATCC[G>A]GCAGGACCGCAGCAAGGGCACCGTCCACTTCGCCGTGGTCATCACCGACGGCCACGTCAC-3'
Protein context (NP_001840.3, residues 136-156): CALANMTEQI[Arg146Gln]QDRSKGTVHF

ClinVar aggregate classification (germline): Uncertain significance (1 of 4 stars; one submission).

Conditions:
Bethlem myopathy 1A. Also called: Bethlem myopathy 1; MYOPATHY, BENIGN CONGENITAL, WITH CONTRACTURES; Bethlem Muscular Dystrophy. Identifiers: Orphanet 610, MedGen CN029274, MONDO:0024530, OMIM 158810.

Allele frequency attached by ClinVar (database versions not stated): gnomAD 0.00001; gnomAD exomes 0.00001; ExAC 0.00002; TOPMed 0.00002.

Submission:

Labcorp Genetics (formerly Invitae), Labcorp
Classification: Uncertain significance for Bethlem myopathy 1A. Last evaluated: 2025-03-20. Review status: criteria provided, single submitter. Criteria: Invitae Variant Classification Sherloc (09022015). Collection method: clinical testing. Allele origin: germline.
Comment: This sequence change replaces arginine, which is basic and polar, with glutamine, which is neutral and polar, at codon 146 of the COL6A2 protein (p.Arg146Gln). This variant is present in population databases (rs766193071, gnomAD 0.003%). This variant has not been reported in the literature in individuals affected with COL6A2-related conditions. ClinVar contains an entry for this variant (Variation ID: 2891439). Invitae Evidence Modeling of protein sequence and biophysical properties (such as structural, functional, and spatial information, amino acid conservation, physicochemical variation, residue mobility, and thermodynamic stability) indicates that this missense variant is not expected to disrupt COL6A2 protein function with a negative predictive value of 80%. In summary, the available evidence is currently insufficient to determine the role of this variant in disease. Therefore, it has been classified as a Variant of Uncertain Significance.